The following is an entry in ClinVar:

ClinVar aggregate classification (germline): Uncertain significance (1 of 4 stars; one submission).

Conditions:
DOCK2 deficiency. Also called: Immunodeficiency 40. Identifiers: Orphanet 447737, MedGen C4225328, MONDO:0014637, OMIM 616433.

Allele frequency attached by ClinVar (database versions not stated): ExAC 0.00001.
gnomAD v4.1: 8 of 1,613,708 alleles (0.0005%); highest among the groups gnomAD compares: Non-Finnish European, 0.00042%; no homozygotes.

Submission:

Labcorp Genetics (formerly Invitae), Labcorp
Classification: Uncertain significance for DOCK2 deficiency. Last evaluated: 2022-08-23. Review status: criteria provided, single submitter. Criteria: Invitae Variant Classification Sherloc (09022015). Collection method: clinical testing. Allele origin: germline.
Comment: This variant is present in population databases (rs776981079, gnomAD 0.002%). This sequence change replaces histidine, which is basic and polar, with arginine, which is basic and polar, at codon 574 of the DOCK2 protein (p.His574Arg). In summary, the available evidence is currently insufficient to determine the role of this variant in disease. Therefore, it has been classified as a Variant of Uncertain Significance. Algorithms developed to predict the effect of missense changes on protein structure and function (SIFT, PolyPhen-2, Align-GVGD) all suggest that this variant is likely to be tolerated. This variant has not been reported in the literature in individuals affected with DOCK2-related conditions.

NM_004946.3(DOCK2):c.1721A>G (p.His574Arg)

Gene: DOCK2 (dedicator of cytokinesis 2; plus strand). Cytogenetic location: 5q35.1.
Variant type: single nucleotide variant.
Coding change: c.1721A>G on transcript NM_004946.3 (MANE Select); coding-DNA position 1721, A replaced by G.
Protein change: p.His574Arg; replaces histidine 574 with arginine.
Molecular consequence: missense variant. On other transcripts: non-coding transcript variant (1).
Genome position (GRCh38, 1-based): chr5:169,714,089, A>G. VCF-style: chr5-169714089-A-G. GRCh37 (hg19) VCF-style: chr5-169141093-A-G.
Other names: short protein forms H574R.
Identifiers: ClinVar variation 2416647 (VCV002416647.6), dbSNP rs776981079, ClinGen allele CA3553575.